The following is an entry in ClinVar:

ClinVar aggregate classification (germline): Pathogenic. Review status: reviewed by expert panel (3 of 4 stars). 23 submissions from 23 submitters: Pathogenic (1). 22 of the submissions do not count toward it. Last evaluated 2016-09-08.

Conditions:
Pancreatic cancer, susceptibility to, 2. Identifiers: Orphanet 1333, MedGen C3150546, MONDO:0013235, OMIM 613347.
Glioma susceptibility 3 (GLM3). Also called: Glioblastoma 3. Identifiers: Orphanet 182067, Orphanet 360, MedGen C2751641, MONDO:0013093, OMIM 613029.
Familial prostate cancer. Also called: Hereditary Prostate Cancer. Identifiers: MedGen C2931456, MONDO:0700275, OMIM 176807.
Breast-ovarian cancer, familial, susceptibility to, 2 (BROVCA2). Also called: BRCA2 Hereditary Breast and Ovarian Cancer. Identifiers: Orphanet 145, MedGen C2675520, MONDO:0012933, OMIM 612555. Disease mechanism: loss of function.
Fanconi anemia complementation group D1. Also called: BRCA2-Related Fanconi Anemia. Identifiers: Orphanet 319462, MedGen C1838457, MONDO:0011584, OMIM 605724.
Medulloblastoma (MDB). Also called: Medulloblastoma, somatic; MEDULLOBLASTOMA PREDISPOSITION SYNDROME. Identifiers: Orphanet 616, MedGen C0025149, MeSH D008527, MONDO:0007959, OMIM 155255, HP:0002885.
Wilms tumor 1 (WT1). Also called: Wilms tumor, somatic. Identifiers: Orphanet 654, MedGen CN033288, MONDO:0008679, OMIM 194070.
Familial cancer of breast. Also called: BREAST CANCER, FAMILIAL; hereditary breast carcinoma; Hereditary breast cancer. Identifiers: Orphanet 227535, MedGen C0346153, MONDO:0016419, OMIM 114480. Disease mechanism: loss of function.
Hereditary cancer-predisposing syndrome. Also called: Neoplastic Syndromes, Hereditary; Tumor predisposition; Hereditary Cancer Syndrome; Hereditary neoplastic syndrome. Identifiers: Orphanet 140162, MedGen C0027672, MeSH D009386, MONDO:0015356.
Hereditary breast ovarian cancer syndrome. Also called: Breast and ovarian cancer; Hereditary breast and ovarian cancer; Hereditary breast and ovarian cancer syndrome (HBOC); Hereditary breast and ovarian cancer syndrome; BRCA1- and BRCA2-Associated Hereditary Breast and Ovarian Cancer; Hereditary breast and/or ovarian cancer syndrome. Identifiers: Orphanet 145, MedGen C0677776, MeSH D061325, MONDO:0003582. Disease mechanism: loss of function.

Allele frequency attached by ClinVar (database versions not stated): gnomAD exomes below 0.00001; TOPMed below 0.00001; gnomAD 0.00001.

Submissions 1 to 10 of 23:

Evidence-based Network for the Interpretation of Germline Mutant Alleles (ENIGMA)
Classification: Pathogenic for Breast-ovarian cancer, familial, susceptibility to, 2. Last evaluated: 2016-09-08. Review status: reviewed by expert panel. Criteria: ENIGMA BRCA1/2 Classification Criteria (2015). Collection method: curation. Allele origin: germline.
Comment: Variant allele predicted to encode a truncated non-functional protein.

Clinical Genetics Laboratory, Skane University Hospital Lund
Classification: Pathogenic for Breast-ovarian cancer, familial, susceptibility to, 2. Last evaluated: 2026-09-14. Review status: criteria provided, single submitter. Criteria: ACMG Guidelines, 2015. Collection method: clinical testing. Allele origin: germline. Affected: yes. Not counted in ClinVar's aggregate classification.
Comment: Expert classified pathogenic.

Labcorp Genetics (formerly Invitae), Labcorp
Classification: Pathogenic for Hereditary breast ovarian cancer syndrome. Last evaluated: 2025-12-31. Review status: criteria provided, single submitter. Criteria: Invitae Variant Classification Sherloc (09022015). Collection method: clinical testing. Allele origin: germline. Not counted in ClinVar's aggregate classification.
Comment: This sequence change creates a premature translational stop signal (p.Ser1722Tyrfs*4) in the BRCA2 gene. It is expected to result in an absent or disrupted protein product. Loss-of-function variants in BRCA2 are known to be pathogenic (PMID: 20104584). This variant is present in population databases (rs80359490, gnomAD 0.06%). This premature translational stop signal has been observed in individual(s) with breast and/or ovarian cancer (PMID: 9150154, 19353265, 22160602, 24321281, 26848529, 27157322). This variant is also known as 5392delAG and 5392-5393delAG. ClinVar contains an entry for this variant (Variation ID: 51791). For these reasons, this variant has been classified as Pathogenic.

Center for Genomic Medicine, Rigshospitalet, Copenhagen University Hospital
Classification: Pathogenic. Last evaluated: 2025-12-29. Review status: criteria provided, single submitter. Criteria: ACMG Guidelines, 2015. Collection method: clinical testing. Allele origin: germline. Not counted in ClinVar's aggregate classification.

Medical and Scientific Branch, Hong Kong Genome Institute
Classification: Pathogenic for Familial prostate cancer. Last evaluated: 2025-12-11. Review status: criteria provided, single submitter. Criteria: ACMG Guidelines, 2015. Collection method: clinical testing. Allele origin: germline. Affected: yes. Not counted in ClinVar's aggregate classification.

Ambry Genetics
Classification: Pathogenic for Hereditary cancer-predisposing syndrome. Last evaluated: 2025-02-12. Review status: criteria provided, single submitter. Criteria: Ambry Variant Classification Scheme 2023. Collection method: clinical testing. Allele origin: germline. Not counted in ClinVar's aggregate classification.
Comment: The c.5164_5165delAG pathogenic mutation, located in coding exon 10 of the BRCA2 gene, results from a deletion of two nucleotides at nucleotide positions 5164 to 5165, causing a translational frameshift with a predicted alternate stop codon (p.S1722Yfs*4). This mutation has been reported in multiple hereditary breast and ovarian cancer (HBOC) families, which include individuals with male breast cancer and pancreatic cancer (H&aring;kansson S et al. Am. J. Hum. Genet. 1997 May;60:1068-78; Ganguly A et al. Am. J. Med. Genet. 2001 Jun;101:146-52; Kwong A et al. Breast Cancer Res. Treat. 2009 Oct;117:683-6; Schneegans SM et al. Fam. Cancer. 2012 Jun;11:181-8; Li D et al. J Exp Clin Cancer Res, 2013 Dec;32:102; Kim YC et al. Oncotarget 2016 Feb;7(8):9600-12; Ng PS et al. Clin. Genet. 2016 Oct:90:315-23; Chao A et al. Oncotarget 2016 Dec;7(51):85529-85541; Meisel C et al. Arch. Gynecol. Obstet. 2017 May;295(5):1227-1238; Sun J et al. Clin Cancer Res, 2017 Oct;23:6113-6119; Liang Y et al. Med Sci Monit, 2018 Apr;24:2465-2475;Bannon SA et al. Cancer Prev Res (Phila), 2018 11;11:679-686; Wang YA et al. BMC Cancer, 2018 03;18:315; Li A et al. Gynecol Oncol, 2018 10;151:145-152; Li JY et al. Int. J. Cancer. 2019 Jan;144(2):281-289; Wu H et al. Hum Hered, 2019 Feb;84:160-169; Deng H et al. Mol Genet Genomic Med, 2019 06;7:e672; Chen L et al. Breast Cancer Res Treat, 2020 Apr;180:759-766; Meng H et al. Int J Cancer, 2020 06;146:3044-3052; Dorling et al. N Engl J Med. 2021 02;384:428-439). In addition to the clinical data presented in the literature, this alteration is expected to result in loss of function by premature protein truncation or nonsense-mediated mRNA decay. As such, this alteration is interpreted as a disease-causing mutation.

GeneDx
Classification: Pathogenic. Last evaluated: 2024-09-30. Review status: criteria provided, single submitter. Criteria: GeneDx Variant Classification Process June 2021. Collection method: clinical testing. Allele origin: germline. Affected: yes. Not counted in ClinVar's aggregate classification.
Comment: Frameshift variant predicted to result in protein truncation or nonsense mediated decay in a gene for which loss of function is a known mechanism of disease; Truncating variants in this gene are considered pathogenic by a well-established clinical consortium and/or database; Not observed at significant frequency in large population cohorts (gnomAD); Also known as 5392_5393del; This variant is associated with the following publications: (PMID: 22160602, 27157322, 26848529, 28008555, 11391658, 36853301, 35864222, 35918668, 28324225, 27907908, 38167124, 28888541, 34697415, 9150154, 19353265, 24321281, 26757417, 26833046, 15744030, 26824983, 29566657, 28724667, 29752822, 29907814, 26295337, 30274973, 30078507, 30720243, 30702160, 30972954, 31957001, 32072338, 32467295, 31825140, 30787465, 32101877, 33461583)

Department of Human Genetics, Hannover Medical School
Classification: Pathogenic for Breast-ovarian cancer, familial, susceptibility to, 2. Last evaluated: 2024-09-10. Review status: criteria provided, single submitter. Criteria: ACMG Guidelines, 2015. Collection method: clinical testing. Allele origin: germline. Inheritance: Autosomal dominant inheritance. Not counted in ClinVar's aggregate classification.

Department of Clinical Genetics, Copenhagen University Hospital, Rigshospitalet
Classification: Pathogenic for Breast-ovarian cancer, familial, susceptibility to, 2. Last evaluated: 2024-05-27. Review status: criteria provided, single submitter. Criteria: ACMG Guidelines, 2015. Collection method: clinical testing. Allele origin: germline. Affected: yes. Not counted in ClinVar's aggregate classification.
Comment: PVS1; PM5_PTC_Strong

Baylor Genetics
Classification: Pathogenic for Familial cancer of breast. Last evaluated: 2024-02-11. Review status: criteria provided, single submitter. Criteria: ACMG Guidelines, 2015. Collection method: clinical testing. Allele origin: unknown. Not counted in ClinVar's aggregate classification.

NM_000059.4(BRCA2):c.5164_5165del (p.Ser1722fs)

Gene: BRCA2 (BRCA2 DNA repair associated; plus strand). Cytogenetic location: 13q13.1.
Variant type: Deletion.
Coding change: c.5164_5165del on transcript NM_000059.4 (MANE Select); coding-DNA positions 5164 to 5165, 2 bases deleted (AG; older notation c.5164_5165delAG).
Protein change: p.Ser1722fs; shifts the reading frame from serine 1722.
Molecular consequence: frameshift variant.
Genome position (GRCh38, 1-based): chr13:32,339,519-32,339,520, AG deleted. VCF-style (leftmost placement, unchanged base first): chr13-32339518-CAG-C. GRCh37 (hg19) VCF-style: chr13-32913655-CAG-C.
Other names: 5392delAG; c.5164_5165delAG (NM_000059.3).
Identifiers: ClinVar variation 51791 (VCV000051791.44), dbSNP rs80359490, ClinGen allele CA021496.
Genomic context (GRCh38, chr13:32,339,518, plus strand): 5'-ACCAGAAAGAATAAATACTGCAGATTATGTAGGAAATTATTTGTATGAAAATAATTCAAA[CAG>C]TACTATAGCTGAAAATGACAAAAATCATCTCTCCGAAAAACAAGATACTTATTTAAGTAA-3'